The following is an entry in ClinVar:

NM_001457.4(FLNB):c.5122G>A (p.Glu1708Lys)

Gene: FLNB (filamin B; plus strand). Cytogenetic location: 3p14.3.
Variant type: single nucleotide variant.
Coding change: c.5122G>A on transcript NM_001457.4 (MANE Select); coding-DNA position 5122, G replaced by A.
Protein change: p.Glu1708Lys; replaces glutamic acid 1708 with lysine.
Molecular consequence: missense variant. On other transcripts: intron variant (1).
Genome position (GRCh38, 1-based): chr3:58,141,870, G>A. VCF-style: chr3-58141870-G-A. GRCh37 (hg19) VCF-style: chr3-58127597-G-A.
Other names: c.5215G>A, p.Glu1739Lys (NM_001164317.2); c.5122G>A, p.Glu1708Lys (NM_001164318.2); c.5110-780G>A (NM_001164319.2); short protein forms E1708K, E1739K.
Identifiers: ClinVar variation 4708635 (VCV004708635.1).

ClinVar aggregate classification (germline): Uncertain significance (1 of 4 stars; one submission).

Submission:

Labcorp Genetics (formerly Invitae), Labcorp
Classification: Uncertain significance. Last evaluated: 2025-12-17. Review status: criteria provided, single submitter. Criteria: Invitae Variant Classification Sherloc (09022015). Collection method: clinical testing. Allele origin: germline.
Comment: This sequence change replaces glutamic acid, which is acidic and polar, with lysine, which is basic and polar, at codon 1708 of the FLNB protein (p.Glu1708Lys). This variant is not present in population databases (gnomAD no frequency). This variant has not been reported in the literature in individuals affected with FLNB-related conditions. Invitae Evidence Modeling of protein sequence and biophysical properties (such as structural, functional, and spatial information, amino acid conservation, physicochemical variation, residue mobility, and thermodynamic stability) indicates that this missense variant is expected to disrupt FLNB protein function with a positive predictive value of 95%. In summary, the available evidence is currently insufficient to determine the role of this variant in disease. Therefore, it has been classified as a Variant of Uncertain Significance.